The following is an entry in ClinVar:

NM_001077653.2(TBX20):c.72G>A (p.Met24Ile)

Gene: TBX20 (T-box transcription factor 20; minus strand). Cytogenetic location: 7p14.2.
Variant type: single nucleotide variant.
Coding change: c.72G>A on transcript NM_001077653.2 (MANE Select); coding-DNA position 72, G replaced by A.
Protein change: p.Met24Ile; replaces methionine 24 with isoleucine.
Molecular consequence: missense variant.
Genome position (GRCh38, 1-based): chr7:35,253,549, C>T on the plus strand (G>A on the coding strand, the complement: TBX20 is on the minus strand). VCF-style: chr7-35253549-C-T. GRCh37 (hg19) VCF-style: chr7-35293160-C-T.
Other names: c.72G>A, p.Met24Ile (LRG_755t1, NM_001166220.1); short protein forms M24I.
Identifiers: ClinVar variation 519112 (VCV000519112.12), dbSNP rs150700395, ClinGen allele CA4217607.

ClinVar aggregate classification (germline): Uncertain significance. Review status: criteria provided, multiple submitters, no conflicts (2 of 4 stars). 2 submissions from 2 submitters: Uncertain significance (2). Last evaluated 2026-02-01.

Conditions:
Cardiovascular phenotype. Identifiers: MedGen CN230736.

Allele frequency attached by ClinVar (database versions not stated): ExAC 0.00001; gnomAD 0.00001; gnomAD exomes 0.00001; TOPMed 0.00002; ESP Exome Variant Server 0.00015.

Submissions (2):

Labcorp Genetics (formerly Invitae), Labcorp
Classification: Uncertain significance. Last evaluated: 2026-02-01. Review status: criteria provided, single submitter. Criteria: Invitae Variant Classification Sherloc (09022015). Collection method: clinical testing. Allele origin: germline.
Comment: This sequence change replaces methionine, which is neutral and non-polar, with isoleucine, which is neutral and non-polar, at codon 24 of the TBX20 protein (p.Met24Ile). The frequency data for this variant in the population databases is considered unreliable, as metrics indicate poor data quality at this position in the gnomAD database. This variant has not been reported in the literature in individuals affected with TBX20-related conditions. ClinVar contains an entry for this variant (Variation ID: 519112). An algorithm developed to predict the effect of missense changes on protein structure and function (PolyPhen-2) suggests that this variant is likely to be tolerated. In summary, the available evidence is currently insufficient to determine the role of this variant in disease. Therefore, it has been classified as a Variant of Uncertain Significance.

Ambry Genetics
Classification: Uncertain significance for Cardiovascular phenotype. Last evaluated: 2025-10-14. Review status: criteria provided, single submitter. Criteria: Ambry Variant Classification Scheme 2023. Collection method: clinical testing. Allele origin: germline.
Comment: The p.M24I variant (also known as c.72G>A), located in coding exon 1 of the TBX20 gene, results from a G to A substitution at nucleotide position 72. The methionine at codon 24 is replaced by isoleucine, an amino acid with highly similar properties. This amino acid position is highly conserved in available vertebrate species. In addition, the in silico prediction for this alteration is inconclusive. Based on the available evidence, the clinical significance of this variant remains unclear.